The following is an entry in ClinVar:

NM_001001415.4(ZNF429):c.975C>T (p.Ser325=)

Gene: ZNF429 (zinc finger protein 429; plus strand). Cytogenetic location: 19p12.
Variant type: single nucleotide variant.
Coding change: c.975C>T on transcript NM_001001415.4 (MANE Select); coding-DNA position 975, C replaced by T.
Protein change: p.Ser325=; no amino-acid change (serine 325 retained).
Molecular consequence: synonymous variant.
Genome position (GRCh38, 1-based): chr19:21,537,028, C>T. VCF-style: chr19-21537028-C-T. GRCh37 (hg19) VCF-style: chr19-21719830-C-T.
Other names: c.969C>T, p.Ser323= (NM_001346912.2); c.879C>T, p.Ser293= (NM_001346913.2, NM_001346914.2, NM_001346915.2); c.783C>T, p.Ser261= (NM_001346916.2).
Identifiers: ClinVar variation 4822996 (VCV004822996.4).

ClinVar aggregate classification (germline): Likely benign (1 of 4 stars; one submission).

Submission:

CeGaT Center for Human Genetics Tuebingen
Classification: Likely benign. Last evaluated: 2026-01-01. Review status: criteria provided, single submitter. Criteria: CeGaT Center For Human Genetics Tuebingen Variant Classification Criteria Version 2. Collection method: clinical testing. Allele origin: germline. Affected: yes. Observed: 1 variant allele.
Comment: ZNF429: PM2:Supporting, BP4, BP7